The following is an entry in ClinVar:

NM_152383.5(DIS3L2):c.2573A>T (p.Lys858Met)

Gene: DIS3L2 (DIS3 like 3'-5' exoribonuclease 2; plus strand). Cytogenetic location: 2q37.1.
Variant type: single nucleotide variant.
Coding change: c.2573A>T on transcript NM_152383.5 (MANE Select); coding-DNA position 2573, A replaced by T.
Protein change: p.Lys858Met; replaces lysine 858 with methionine.
Molecular consequence: missense variant. On other transcripts: non-coding transcript variant (2), intron variant (1).
Genome position (GRCh38, 1-based): chr2:232,336,545, A>T. VCF-style: chr2-232336545-A-T. GRCh37 (hg19) VCF-style: chr2-233201255-A-T.
Other names: c.1582-6800A>T (NM_001257281.2); short protein forms K858M.
Identifiers: ClinVar variation 2738417 (VCV002738417.3), dbSNP rs1695955603, ClinGen allele CA350978994.

ClinVar aggregate classification (germline): Uncertain significance (1 of 4 stars; one submission).

Conditions:
Perlman syndrome (PRLMNS). Identifiers: Orphanet 2849, MedGen C0796113, MONDO:0009965, OMIM 267000.

Submission:

Labcorp Genetics (formerly Invitae), Labcorp
Classification: Uncertain significance for Perlman syndrome. Last evaluated: 2023-03-17. Review status: criteria provided, single submitter. Criteria: Invitae Variant Classification Sherloc (09022015). Collection method: clinical testing. Allele origin: germline.
Comment: In summary, the available evidence is currently insufficient to determine the role of this variant in disease. Therefore, it has been classified as a Variant of Uncertain Significance. An algorithm developed to predict the effect of missense changes on protein structure and function (PolyPhen-2) suggests that this variant is likely to be disruptive. This variant has not been reported in the literature in individuals affected with DIS3L2-related conditions. This variant is not present in population databases (gnomAD no frequency). This sequence change replaces lysine, which is basic and polar, with methionine, which is neutral and non-polar, at codon 858 of the DIS3L2 protein (p.Lys858Met).